The following is an entry in ClinVar:

ClinVar aggregate classification (germline): Conflicting classifications of pathogenicity. Review status: criteria provided, conflicting classifications (1 of 4 stars). 3 submissions from 3 submitters: Uncertain significance (2); Likely benign (1). Last evaluated 2025-08-03.

Conditions:
Hereditary breast ovarian cancer syndrome. Also called: Hereditary breast and ovarian cancer syndrome (HBOC); BRCA1- and BRCA2-Associated Hereditary Breast and Ovarian Cancer; Hereditary breast and/or ovarian cancer syndrome; Hereditary breast and ovarian cancer syndrome; Hereditary breast and ovarian cancer; Breast and ovarian cancer. Identifiers: Orphanet 145, MedGen C0677776, MeSH D061325, MONDO:0003582. Disease mechanism: loss of function.
Hereditary cancer-predisposing syndrome. Also called: Neoplastic Syndromes, Hereditary; Hereditary neoplastic syndrome; Tumor predisposition; Hereditary Cancer Syndrome. Identifiers: Orphanet 140162, MedGen C0027672, MeSH D009386, MONDO:0015356.

Allele frequency attached by ClinVar (database versions not stated): gnomAD exomes below 0.00001 and 0.00001; gnomAD 0.00001; ExAC 0.00002.

Submissions (4):

Labcorp Genetics (formerly Invitae), Labcorp
Classification: Uncertain significance for Hereditary breast ovarian cancer syndrome. Last evaluated: 2025-08-03. Review status: criteria provided, single submitter. Criteria: Invitae Variant Classification Sherloc (09022015). Collection method: clinical testing. Allele origin: germline.
Comment: This sequence change replaces methionine, which is neutral and non-polar, with threonine, which is neutral and polar, at codon 1650 of the BRCA1 protein (p.Met1650Thr). This variant is present in population databases (rs778487856, gnomAD 0.006%). This variant has not been reported in the literature in individuals affected with BRCA1-related conditions. ClinVar contains an entry for this variant (Variation ID: 441375). Invitae Evidence Modeling incorporating data from in vitro experimental studies (PMID: 30209399) indicates that this missense variant is not expected to disrupt BRCA1 function with a negative predictive value of 95%. Experimental studies have shown that this missense change does not substantially affect BRCA1 function (PMID: 30209399, 30257991). In summary, the available evidence is currently insufficient to determine the role of this variant in disease. Therefore, it has been classified as a Variant of Uncertain Significance.

Color Diagnostics, LLC DBA Color Health
Classification: Uncertain significance for Hereditary cancer-predisposing syndrome. Last evaluated: 2020-06-10. Review status: criteria provided, single submitter. Criteria: ACMG Guidelines, 2015. Collection method: clinical testing. Allele origin: germline.
Comment: This missense variant replaces methionine with threonine at codon 1650 of the BRCA1 protein. Computational prediction is inconclusive regarding the impact of this variant on protein structure and function (internally defined REVEL score threshold 0.5 < inconclusive < 0.7, PMID: 27666373). This variant has been reported to be functional in a haploid cell proliferation assay (PMID: 30209399). This variant has not been reported in individuals affected with hereditary cancer in the literature. This variant has been identified in 2/251112 chromosomes in the general population by the Genome Aggregation Database (gnomAD). The available evidence is insufficient to determine the role of this variant in disease conclusively. Therefore, this variant is classified as a Variant of Uncertain Significance.

Ambry Genetics
Classification: Likely benign for Hereditary cancer-predisposing syndrome. Last evaluated: 2020-03-26. Review status: criteria provided, single submitter. Criteria: Ambry Variant Classification Scheme 2023. Collection method: clinical testing. Allele origin: germline.

Brotman Baty Institute, University of Washington
No classification provided (evidence only). Condition: Breast-ovarian cancer, familial 1. Review status: no classification provided. Collection method: in vitro. Allele origin: not applicable. Functional consequence: functionally_normal. Not counted in ClinVar's aggregate classification.
ClinVar note: "not provided" was previously submitted as the classification for the variant. However, the classification appeared to be based only on an observation of functional data so it was converted to no classification on 2025-07-30.

Literature cited by the submitters: PubMed 30209399 (cited by Labcorp Genetics (formerly Invitae), Labcorp and Ambry Genetics); PubMed 30257991 (cited by Labcorp Genetics (formerly Invitae), Labcorp and Ambry Genetics); PubMed 30765603 (cited by Ambry Genetics).

NM_007294.4(BRCA1):c.4949T>C (p.Met1650Thr)

Gene: BRCA1 (BRCA1 DNA repair associated; minus strand). Cytogenetic location: 17q21.31.
Variant type: single nucleotide variant.
Coding change: c.4949T>C on transcript NM_007294.4 (MANE Select); coding-DNA position 4949, T replaced by C.
Protein change: p.Met1650Thr; replaces methionine 1650 with threonine.
Molecular consequence: missense variant. On other transcripts: non-coding transcript variant (1).
Genome position (GRCh38, 1-based): chr17:43,070,965, A>G on the plus strand (T>C on the coding strand, the complement: BRCA1 is on the minus strand). VCF-style: chr17-43070965-A-G. GRCh37 (hg19) VCF-style: chr17-41222982-A-G.
Other names: c.4736T>C, p.Met1579Thr (NM_001407571.1, NM_001407894.1, NM_001407895.1 and 12 more transcripts); c.5015T>C, p.Met1672Thr (NM_001407581.1, NM_001407582.1); c.5012T>C, p.Met1671Thr (NM_001407583.1, NM_001407585.1, NM_001407587.1 and 1 more transcripts); c.5009T>C, p.Met1670Thr (NM_001407590.1, NM_001407591.1); c.4949T>C, p.Met1650Thr (NM_001407593.1, NM_001407594.1, NM_001407596.1 and 8 more transcripts); c.4946T>C, p.Met1649Thr (NM_001407617.1, NM_001407618.1, NM_001407619.1 and 17 more transcripts); c.4943T>C, p.Met1648Thr (NM_001407636.1, NM_001407637.1, NM_001407638.1 and 14 more transcripts); c.4940T>C, p.Met1647Thr (NM_001407644.1, NM_001407645.1); and 70 more; short protein forms M1650T, M1603T, M1671T, M546T, M480T, M505T, M545T, M1354T.
Identifiers: ClinVar variation 441375 (VCV000441375.21), dbSNP rs778487856, ClinGen allele CA053470.
Genomic context (GRCh38, chr17:43,070,965, plus strand): 5'-GAGATACATATGGATACACTCACAAATTCTTCTGGGGTCAGGCCAGACACCACCATGGAC[A>G]TTCTTTTGTTGACCCTTTCTGTTGAAGCTGTCAATTCTGGCTTCTCCCTGCTCACACTTT-3'
Protein context (NP_009225.1, residues 1640-1660): TASTERVNKR[Met1650Thr]SMVVSGLTPE